The following is an entry in ClinVar:

NM_004247.4(EFTUD2):c.1149+1G>A

Gene: EFTUD2 (elongation factor Tu GTP binding domain containing 2; minus strand). Cytogenetic location: 17q21.31.
Variant type: single nucleotide variant.
Coding change: c.1149+1G>A on transcript NM_004247.4 (MANE Select); the canonical splice donor site of the intron after coding-DNA position 1149, G replaced by A.
Molecular consequence: splice donor variant.
Genome position (GRCh38, 1-based): chr17:44,867,806, C>T on the plus strand (G>A on the coding strand, the complement: EFTUD2 is on the minus strand). VCF-style: chr17-44867806-C-T. GRCh37 (hg19) VCF-style: chr17-42945174-C-T.
Other names: c.1044+1G>A (NM_001142605.2); c.1119+1G>A (NM_001258354.2); c.1149+1G>A (NM_001258353.2).
Identifiers: ClinVar variation 2005510 (VCV002005510.4), dbSNP rs797045550, ClinGen allele CA399815800.

ClinVar aggregate classification (germline): Likely pathogenic (1 of 4 stars; one submission).

Submission:

Labcorp Genetics (formerly Invitae), Labcorp
Classification: Likely pathogenic. Last evaluated: 2022-06-13. Review status: criteria provided, single submitter. Criteria: Invitae Variant Classification Sherloc (09022015). Collection method: clinical testing. Allele origin: germline.
Comment: This sequence change affects a donor splice site in intron 13 of the EFTUD2 gene. It is expected to disrupt RNA splicing. Variants that disrupt the donor or acceptor splice site typically lead to a loss of protein function (PMID: 16199547), and loss-of-function variants in EFTUD2 are known to be pathogenic (PMID: 24999515, 26507355). In summary, the currently available evidence indicates that the variant is pathogenic, but additional data are needed to prove that conclusively. Therefore, this variant has been classified as Likely Pathogenic. Algorithms developed to predict the effect of sequence changes on RNA splicing suggest that this variant may disrupt the consensus splice site. Disruption of this splice site has been observed in individual(s) with clinical features of EFTUD2-related conditions (Invitae). This variant is not present in population databases (gnomAD no frequency).

Literature cited by the submitters: PubMed 16199547; PubMed 24999515; PubMed 26507355.